The following is an entry in ClinVar:

ClinVar aggregate classification (germline): Likely benign. Review status: criteria provided, multiple submitters, no conflicts (2 of 4 stars). 3 submissions from 3 submitters: Likely benign (3). Last evaluated 2026-07-06.

Conditions:
CYFIP2-related disorder. Also called: CYFIP2-related condition.

Allele frequency attached by ClinVar (database versions not stated): TOPMed 0.00002; gnomAD 0.00003; gnomAD exomes 0.00005 and 0.00008; ExAC 0.00006.
gnomAD v4.1: 120 of 1,613,784 alleles (0.0074%); highest among the groups gnomAD compares: Middle Eastern, 0.016%; 1 homozygote.

Submissions (3):

PreventionGenetics, part of Exact Sciences
Classification: Likely benign for CYFIP2-related condition. Last evaluated: 2026-07-06. Review status: criteria provided, single submitter. Criteria: ACMG Guidelines, 2015. Collection method: clinical testing. Allele origin: germline.
Comment: This variant is classified as likely benign based on ACMG/AMP sequence variant interpretation guidelines (Richards et al. 2015 PMID: 25741868, with internal and published modifications).

Labcorp Genetics (formerly Invitae), Labcorp
Classification: Likely benign. Last evaluated: 2025-05-05. Review status: criteria provided, single submitter. Criteria: Invitae Variant Classification Sherloc (09022015). Collection method: clinical testing. Allele origin: germline.

Blueprint Genetics
Classification: Likely benign. Last evaluated: 2024-04-03. Review status: criteria provided, single submitter. Criteria: ACMG Guidelines, 2015. Collection method: clinical testing. Allele origin: germline.

NM_001037333.3(CYFIP2):c.2266-4C>T

Gene: CYFIP2 (cytoplasmic FMR1 interacting protein 2; plus strand). Cytogenetic location: 5q33.3.
Variant type: single nucleotide variant.
Coding change: c.2266-4C>T on transcript NM_001037333.3 (MANE Select); 4 bases into the intron before coding-DNA position 2266, C replaced by T.
Molecular consequence: intron variant.
Genome position (GRCh38, 1-based): chr5:157,333,323, C>T. VCF-style: chr5-157333323-C-T. GRCh37 (hg19) VCF-style: chr5-156760331-C-T.
Other names: c.2341-4C>T (NM_001291722.2, NM_001291722.1); c.2188-4C>T (NM_001291721.2); c.2266-4C>T (NM_014376.4).
Identifiers: ClinVar variation 1553116 (VCV001553116.10), dbSNP rs753565187, ClinGen allele CA3533818.